The following is an entry in ClinVar:

NM_002075.4(GNB3):c.799G>A (p.Glu267Lys)

Genes: CDCA3 (cell division cycle associated 3; minus strand), GNB3 (G protein subunit beta 3; plus strand). Cytogenetic location: 12p13.31.
Variant type: single nucleotide variant.
Coding change: c.799G>A on transcript NM_002075.4 (MANE Select); coding-DNA position 799, G replaced by A.
Protein change: p.Glu267Lys; replaces glutamic acid 267 with lysine.
Molecular consequence: missense variant. On other transcripts: 3 prime UTR variant (1).
Genome position (GRCh38, 1-based): chr12:6,845,685, G>A. VCF-style: chr12-6845685-G-A. GRCh37 (hg19) VCF-style: chr12-6954849-G-A.
Other names: c.796G>A, p.Glu266Lys (NM_001297571.2); c.*1103C>T (NM_001297603.3); short protein forms E266K, E267K.
Identifiers: ClinVar variation 970744 (VCV000970744.10), dbSNP rs150593798, ClinGen allele CA6417669.
Genomic context (GRCh38, chr12:6,845,685, plus strand): 5'-GACGCTTCCTGCCGCTTGTTTGACCTGCGGGCAGACCAGGAGCTGATCTGCTTCTCCCAC[G>A]AGAGCATCATCTGCGGCATCACGTCCGTGGCCTTCTCCCTCAGTGGCCGCCTACTATTCG-3'
Protein context (NP_002066.1, residues 257-277): ADQELICFSH[Glu267Lys]SIICGITSVA

ClinVar aggregate classification (germline): Uncertain significance. Review status: criteria provided, multiple submitters, no conflicts (2 of 4 stars). 4 submissions from 4 submitters: Uncertain significance (4). Last evaluated 2025-09-08.

Conditions:
Essential hypertension, genetic (EHT). Identifiers: MedGen CN305331, MONDO:0007781, OMIM 145500.
Congenital stationary night blindness 1H. Identifiers: MedGen C4310758, MONDO:0014872, OMIM 617024.
Inborn genetic diseases. Identifiers: MedGen C0950123, MeSH D030342.

Allele frequency attached by ClinVar (database versions not stated): ESP Exome Variant Server 0.00023; gnomAD exomes 0.00026 and 0.00014; gnomAD 0.00023 and 0.00022; TOPMed 0.00013; ExAC 0.00011.

Submissions (4):

Labcorp Genetics (formerly Invitae), Labcorp
Classification: Uncertain significance. Last evaluated: 2025-09-08. Review status: criteria provided, single submitter. Criteria: Invitae Variant Classification Sherloc (09022015). Collection method: clinical testing. Allele origin: germline.
Comment: This sequence change replaces glutamic acid, which is acidic and polar, with lysine, which is basic and polar, at codon 267 of the GNB3 protein (p.Glu267Lys). This variant is present in population databases (rs150593798, gnomAD 0.03%). This variant has not been reported in the literature in individuals affected with GNB3-related conditions. ClinVar contains an entry for this variant (Variation ID: 970744). Invitae Evidence Modeling of protein sequence and biophysical properties (such as structural, functional, and spatial information, amino acid conservation, physicochemical variation, residue mobility, and thermodynamic stability) indicates that this missense variant is not expected to disrupt GNB3 protein function with a negative predictive value of 80%. In summary, the available evidence is currently insufficient to determine the role of this variant in disease. Therefore, it has been classified as a Variant of Uncertain Significance.

Blueprint Genetics
Classification: Uncertain significance. Last evaluated: 2024-09-05. Review status: criteria provided, single submitter. Criteria: ACMG Guidelines, 2015. Collection method: clinical testing. Allele origin: germline.

Ambry Genetics
Classification: Uncertain significance for Inborn genetic diseases. Last evaluated: 2021-10-05. Review status: criteria provided, single submitter. Criteria: Ambry Variant Classification Scheme 2023. Collection method: clinical testing. Allele origin: germline.

Department of Pathology and Laboratory Medicine, Sinai Health System
Classification: Uncertain significance for Essential hypertension, genetic; Congenital stationary night blindness 1H. Last evaluated: 2021-08-23. Review status: criteria provided, single submitter. Criteria: ACMG Guidelines, 2015. Collection method: research. Allele origin: germline.